The following is an entry in ClinVar:

NM_002618.4(PEX13):c.-7G>A

Genes: PEX13 (peroxisomal biogenesis factor 13; plus strand), PUS10 (pseudouridine synthase 10; minus strand). Cytogenetic location: 2p15.
Variant type: single nucleotide variant.
Coding change: c.-7G>A on transcript NM_002618.4 (MANE Select); 7 bases upstream of the start codon, G replaced by A.
Molecular consequence: 5 prime UTR variant. On other transcripts: intron variant (2).
Genome position (GRCh38, 1-based): chr2:61,017,753, G>A. VCF-style: chr2-61017753-G-A. GRCh37 (hg19) VCF-style: chr2-61244888-G-A.
Other names: c.-16+255C>T (NM_144709.4); c.-623+255C>T (NM_001322127.1).
Identifiers: ClinVar variation 594837 (VCV000594837.10), dbSNP rs200847026, ClinGen allele CA48328079.
Genomic context (GRCh38, chr2:61,017,753, plus strand): 5'-CAGGTGCTGGTCTACGCGGGCCTGGACAGTCAGGGGTAGGAGCGGGAGCCGAGAGGAGGC[G>A]GAGGAGATGGCGTCCCAGCCGCCACCTCCCCCCAAACCCTGGGAGACCCGCCGAATTCCG-3'

ClinVar aggregate classification (germline): Conflicting classifications of pathogenicity. Review status: criteria provided, conflicting classifications (1 of 4 stars). 3 submissions from 3 submitters: Uncertain significance (1); Likely benign (2). Last evaluated 2026-09-23.

Conditions:
PEX13-related disorder. Also called: PEX13-related disorders; PEX13-related condition.
Peroxisome biogenesis disorder 11A (Zellweger). Also called: Peroxisome biogenesis disorder 11A. Identifiers: Orphanet 912, MedGen C3554000, MONDO:0013949, OMIM 614883.

Allele frequency attached by ClinVar (database versions not stated): TOPMed 0.00009; gnomAD 0.00011 and 0.00013; gnomAD exomes 0.00020; 1000 Genomes Project 0.00060; 1000 Genomes Project 30x 0.00062.
gnomAD v4.1: 75 of 1,548,836 alleles (0.0048%); highest among the groups gnomAD compares: East Asian, 0.15%; no homozygotes.

Submissions (3):

PreventionGenetics, part of Exact Sciences
Classification: Likely benign for PEX13-related condition. Last evaluated: 2026-09-23. Review status: criteria provided, single submitter. Criteria: ACMG Guidelines, 2015. Collection method: clinical testing. Allele origin: germline.
Comment: This variant is classified as likely benign based on ACMG/AMP sequence variant interpretation guidelines (Richards et al. 2015 PMID: 25741868, with internal and published modifications).

Illumina Laboratory Services, Illumina
Classification: Uncertain significance for Peroxisome biogenesis disorder 11A (Zellweger). Last evaluated: 2018-01-13. Review status: criteria provided, single submitter. Criteria: ICSL Variant Classification Criteria 13 December 2019. Collection method: clinical testing. Allele origin: germline.

Eurofins Ntd Llc (ga)
Classification: Likely benign. Last evaluated: 2017-11-10. Review status: criteria provided, single submitter. Criteria: EGL Classification Definitions 2015. Collection method: clinical testing. Allele origin: germline. Observed: 1 variant allele, 1 heterozygote.